The following is an entry in ClinVar:

NM_018451.5(CPAP):c.61A>T (p.Met21Leu)

Gene: CPAP (centrosome assembly and centriole elongation protein; minus strand). Cytogenetic location: 13q12.13.
Variant type: single nucleotide variant.
Coding change: c.61A>T on transcript NM_018451.5 (MANE Select); coding-DNA position 61, A replaced by T.
Protein change: p.Met21Leu; replaces methionine 21 with leucine.
Molecular consequence: missense variant. On other transcripts: non-coding transcript variant (2).
Genome position (GRCh38, 1-based): chr13:24,912,965, T>A on the plus strand (A>T on the coding strand, the complement: CPAP is on the minus strand). VCF-style: chr13-24912965-T-A. GRCh37 (hg19) VCF-style: chr13-25487103-T-A.
Other names: short protein forms M21L.
Identifiers: ClinVar variation 158217 (VCV000158217.27), dbSNP rs35498994, ClinGen allele CA171698.
Genomic context (GRCh38, chr13:24,912,965, plus strand): 5'-CTGCTTCCAAAATAGGAAATCCACGATTTAATATGACCCCAGCCCGAGAAGGATTGGTCA[T>A]CCACTGGGTTAGGAAGTTCTGCCCACTGTTTAACTCTGAAGAGGTTGGCATCAGGAACAT-3'
Protein context (NP_060921.3, residues 11-31): NSGQNFLTQW[Met21Leu]TNPSRAGVIL

ClinVar aggregate classification (germline): Benign. Review status: criteria provided, multiple submitters, no conflicts (2 of 4 stars). 9 submissions from 8 submitters: Benign (9). Last evaluated 2026-02-01.

Conditions:
Seckel syndrome 4 (SCKL4). Identifiers: Orphanet 808, MedGen C3888212, MONDO:0013358, OMIM 613676.
Microcephaly 6, primary, autosomal recessive. Identifiers: Orphanet 2512, MedGen C1842109, MONDO:0012029, OMIM 608393.

Allele frequency attached by ClinVar (database versions not stated): 1000 Genomes Project 30x 0.01905; 1000 Genomes Project 0.01937.
gnomAD v4.1: 7,505 of 1,614,092 alleles (0.46%); highest among the groups gnomAD compares: East Asian, 10%; 260 homozygotes.

Submissions (9):

Labcorp Genetics (formerly Invitae), Labcorp
Classification: Benign. Last evaluated: 2026-02-01. Review status: criteria provided, single submitter. Criteria: Invitae Variant Classification Sherloc (09022015). Collection method: clinical testing. Allele origin: germline.

Athena Diagnostics
Classification: Benign. Last evaluated: 2024-09-27. Review status: criteria provided, single submitter. Criteria: Athena Diagnostics Criteria. Collection method: clinical testing. Allele origin: unknown.

Illumina Laboratory Services, Illumina
Classification: Benign for Microcephaly 6, primary, autosomal recessive. Last evaluated: 2018-01-12. Review status: criteria provided, single submitter. Criteria: ICSL Variant Classification Criteria 13 December 2019. Collection method: clinical testing. Allele origin: germline.
Comment: This variant was observed in the ICSL laboratory as part of a predisposition screen in an ostensibly healthy population. It had not been previously curated by ICSL or reported in the Human Gene Mutation Database (HGMD: prior to June 1st, 2018), and was therefore a candidate for classification through an automated scoring system. Utilizing variant allele frequency, disease prevalence and penetrance estimates, and inheritance mode, an automated score was calculated to assess if this variant is too frequent to cause the disease. Based on the score and internal cut-off values, a variant classified as benign is not then subjected to further curation. The score for this variant resulted in a classification of benign for this disease.

Illumina Laboratory Services, Illumina
Classification: Benign for Seckel syndrome 4. Last evaluated: 2018-01-12. Review status: criteria provided, single submitter. Criteria: ICSL Variant Classification Criteria 13 December 2019. Collection method: clinical testing. Allele origin: germline.
Comment: the same text as in the submission from Illumina Laboratory Services, Illumina above.

GeneDx
Classification: Benign. Last evaluated: 2015-03-03. Review status: criteria provided, single submitter. Criteria: GeneDx Variant Classification Process June 2021. Collection method: clinical testing. Allele origin: germline. Affected: yes.

Eurofins Ntd Llc (ga)
Classification: Benign. Last evaluated: 2014-06-25. Review status: criteria provided, single submitter. Criteria: EGL Classification Definitions 2015. Collection method: clinical testing. Allele origin: germline. Observed: 1 variant allele, 1 heterozygote.

Genetic Services Laboratory, University of Chicago
Classification: Benign. Last evaluated: 2013-06-07. Review status: criteria provided, single submitter. Criteria: ACMG Guidelines, 2007. Collection method: clinical testing. Allele origin: germline. Inheritance: Autosomal recessive inheritance.

Breakthrough Genomics
Classification: Benign. Review status: criteria provided, single submitter. Criteria: ACMG Guidelines, 2015. Collection method: not provided. Allele origin: germline. Inheritance: Autosomal recessive inheritance. Affected: yes.

PreventionGenetics, part of Exact Sciences
Classification: Benign. Review status: criteria provided, single submitter. Criteria: ACMG Guidelines, 2015. Collection method: clinical testing. Allele origin: germline.